The following is an entry in ClinVar:

ClinVar aggregate classification (germline): Conflicting classifications of pathogenicity. Review status: criteria provided, conflicting classifications (1 of 4 stars). 8 submissions from 8 submitters: Uncertain significance (7); Likely benign (1). Last evaluated 2025-12-16.

Conditions:
Hereditary cancer-predisposing syndrome. Also called: Tumor predisposition; Neoplastic Syndromes, Hereditary; Hereditary Cancer Syndrome; Hereditary neoplastic syndrome. Identifiers: Orphanet 140162, MedGen C0027672, MeSH D009386, MONDO:0015356.
Melanoma, cutaneous malignant, susceptibility to, 1 (CMM1). Also called: B-K MOLE SYNDROME; DYSPLASTIC NEVUS SYNDROME, HEREDITARY; FAMILIAL ATYPICAL MOLE-MALIGNANT MELANOMA SYNDROME; MELANOMA, MALIGNANT. Identifiers: Orphanet 618, MedGen C1835047, MONDO:0007963, OMIM 155600.
Peutz-Jeghers syndrome (PJS). Also called: Peutz-Jeghers polyposis; Periorificial lentiginosis syndrome; POLYPOSIS, HAMARTOMATOUS INTESTINAL; POLYPS-AND-SPOTS SYNDROME. Identifiers: Orphanet 2869, MedGen C0031269, MeSH D010580, MONDO:0008280, OMIM 175200.

Submissions (8):

Color Diagnostics, LLC DBA Color Health
Classification: Uncertain significance for Hereditary cancer-predisposing syndrome. Last evaluated: 2025-12-16. Review status: criteria provided, single submitter. Criteria: ACMG Guidelines, 2015. Collection method: clinical testing. Allele origin: germline.
Comment: This variant causes an in-frame deletion of two amino acids residues, glycine 346 and alanine 347, in the STK11 protein. To our knowledge, functional studies have not been reported for this variant. This variant has been reported in an individual with personal and/or family history of breast and/or ovarian cancer (PMID: 31742824). This variant has been identified in 3/1610832 chromosomes in the general population by the Genome Aggregation Database (gnomAD). The available evidence is insufficient to determine the role of this variant in disease conclusively. Therefore, this variant is classified as a Variant of Uncertain Significance.

Labcorp Genetics (formerly Invitae), Labcorp
Classification: Likely benign for Peutz-Jeghers syndrome. Last evaluated: 2025-12-15. Review status: criteria provided, single submitter. Criteria: Invitae Variant Classification Sherloc (09022015). Collection method: clinical testing. Allele origin: germline.

Ambry Genetics
Classification: Uncertain significance for Hereditary cancer-predisposing syndrome. Last evaluated: 2025-12-04. Review status: criteria provided, single submitter. Criteria: Ambry Variant Classification Scheme 2023. Collection method: clinical testing. Allele origin: germline.
Comment: The c.1037_1042delGCGCGG variant (also known as p.G346_A347del) is located in coding exon 8 of the STK11 gene. This variant results from an in-frame GCGCGG deletion at nucleotide positions 1037 to 1042. This results in the in-frame deletion of a glycine and an alanine residue at codons 346 to 347. This variant was identified in a cohort of 882 Chinese individuals with a personal and/or family history of breast or ovarian cancers who underwent multi-gene panel testing for HBOC risk assessment (Shao D et al. Cancer Sci, 2020 Feb;111:647-657). This amino acid region is not well conserved in available vertebrate species. In addition, the in silico prediction for this alteration is inconclusive (Choi Y et al. PLoS ONE. 2012; 7(10):e46688). Since supporting evidence is limited at this time, the clinical significance of this alteration remains unclear.

Women's Health and Genetics/Laboratory Corporation of America, LabCorp
Classification: Uncertain significance. Last evaluated: 2025-06-09. Review status: criteria provided, single submitter. Criteria: LabCorp Variant Classification Summary - May 2015. Collection method: clinical testing. Allele origin: germline.
Comment: Variant summary: STK11 c.1037_1042delGCGCGG (p.Gly346_Ala347del) results in an in-frame deletion that is predicted to remove 2 amino acids from the encoded protein. The variant allele was found at a frequency of 4.1e-06 in 243400 control chromosomes (gnomAD). The available data on variant occurrences in the general population are insufficient to allow any conclusion about variant significance. c.1037_1042delGCGCGG has been observed in an individual(s) with a personal and/or family history of cancer related to Hereditary Breast And Ovarian Cancer Syndrome (Shao_2020). This report does not provide unequivocal conclusions about association of the variant with Hereditary Breast And Ovarian Cancer Syndrome. To our knowledge, no experimental evidence demonstrating an impact on protein function has been reported. The following publication has been ascertained in the context of this evaluation (PMID: 31742824). ClinVar contains an entry for this variant (Variation ID: 403793). Based on the evidence outlined above, the variant was classified as uncertain significance.

St. Jude Molecular Pathology, St. Jude Children's Research Hospital
Classification: Uncertain significance for Peutz-Jeghers syndrome. Last evaluated: 2024-06-04. Review status: criteria provided, single submitter. Criteria: St. Jude Assertion Criteria 2020. Collection method: clinical testing. Allele origin: germline.
Comment: The STK11 c.1037_1042del; p.Gly346_Ala347del change deletes six nucleotides at position 1037-1042 resulting in an in-frame deletion of two amino acids in exon 8. This change has a maximum subpopulation frequency of 0.00091% in gnomAD v2.1.1. This variant has been reported in at least one individual with a personal and/or family history of breast or ovarian cancers who underwent multi-gene panel testing for hereditary breast and ovarian cancer risk assessment (PMID: 31742824). One individual with this variant is reported in a database of women older than 70 years of age who have never had cancer (FLOSSIES). To our knowledge, this variant has not been reported in individuals with Peutz-Jeghers syndrome. In summary, the evidence currently available is insufficient to determine the clinical significance of this variant. It has therefore been classified as of uncertain significance.

Baylor Genetics
Classification: Uncertain significance for Melanoma, cutaneous malignant, susceptibility to, 1. Last evaluated: 2024-03-19. Review status: criteria provided, single submitter. Criteria: ACMG Guidelines, 2015. Collection method: clinical testing. Allele origin: unknown.

Genome-Nilou Lab
Classification: Uncertain significance for Peutz-Jeghers syndrome. Last evaluated: 2021-07-15. Review status: criteria provided, single submitter. Criteria: ACMG Guidelines, 2015. Collection method: clinical testing. Allele origin: germline. Affected: no.

Quest Diagnostics Nichols Institute San Juan Capistrano
Classification: Uncertain significance. Last evaluated: 2020-10-06. Review status: criteria provided, single submitter. Criteria: Quest Diagnostics criteria. Collection method: clinical testing. Allele origin: unknown.

Literature cited by the submitters: PubMed 31742824 (cited by 3 submitters).

NM_000455.5(STK11):c.1037_1042del (p.Gly346_Ala347del)

Genes: STK11 (serine/threonine kinase 11; plus strand), LOC130062899 (ATAC-STARR-seq lymphoblastoid active region 13597; plus strand). Cytogenetic location: 19p13.3.
Variant type: Deletion.
Coding change: c.1037_1042del on transcript NM_000455.5 (MANE Select); coding-DNA positions 1037 to 1042, 6 bases deleted (GCGCGG; older notation c.1037_1042delGCGCGG).
Protein change: p.Gly346_Ala347del.
Molecular consequence: inframe deletion.
Genome position (GRCh38, 1-based): chr19:1,223,101-1,223,106, GCGCGG deleted; deleting any 6 consecutive bases within chr19:1,223,100-1,223,106 gives the same sequence; the c. name uses the placement nearest the transcript's 3' end. VCF-style (leftmost placement, unchanged base first): chr19-1223099-CGGCGCG-C. GRCh37 (hg19) VCF-style: chr19-1223098-CGGCGCG-C.
Other names: c.1037_1042delGCGCGG (NM_000455.4, NM_000455.5).
Identifiers: ClinVar variation 403793 (VCV000403793.26), dbSNP rs1060499969, ClinGen allele CA16616015.
Genomic context (GRCh38, chr19:1,223,099, plus strand): 5'-CCCAGACACCAAGGACCGGTGGCGCAGCATGACTGTGGTGCCGTACTTGGAGGACCTGCA[CGGCGCG>C]GACGAGGACGAGGACCTCTTCGACATCGAGGATGACATCATCTACACTCAGGACTTCACG-3'